The following is an entry in ClinVar:

NM_178452.6(DNAAF1):c.628G>A (p.Val210Met)

Gene: DNAAF1 (dynein axonemal assembly factor 1; plus strand). Cytogenetic location: 16q24.1.
Variant type: single nucleotide variant.
Coding change: c.628G>A on transcript NM_178452.6 (MANE Select); coding-DNA position 628, G replaced by A.
Protein change: p.Val210Met; replaces valine 210 with methionine.
Molecular consequence: missense variant.
Genome position (GRCh38, 1-based): chr16:84,155,636, G>A. VCF-style: chr16-84155636-G-A. GRCh37 (hg19) VCF-style: chr16-84189241-G-A.
Other names: c.628G>A (NM_178452.4); short protein forms V210M.
Identifiers: ClinVar variation 1039912 (VCV001039912.6), dbSNP rs76598454, ClinGen allele CA8202554.

ClinVar aggregate classification (germline): Uncertain significance. Review status: criteria provided, multiple submitters, no conflicts (2 of 4 stars). 2 submissions from 2 submitters: Uncertain significance (2). Last evaluated 2024-11-10.

Conditions:
Primary ciliary dyskinesia. Also called: Ciliary dyskinesia. Identifiers: Orphanet 244, MedGen C0008780, MONDO:0016575, HP:0012265.

Allele frequency attached by ClinVar (database versions not stated): gnomAD exomes 0.00005 and 0.00006; ESP Exome Variant Server 0.00008; gnomAD 0.00025 and 0.00027; TOPMed 0.00029; 1000 Genomes Project 0.00060; 1000 Genomes Project 30x 0.00078.
gnomAD v4.1: 110 of 1,614,158 alleles (0.0068%); highest among the groups gnomAD compares: African/African-American, 0.077%; no homozygotes.

Submissions (2):

Ambry Genetics
Classification: Uncertain significance for Primary ciliary dyskinesia. Last evaluated: 2024-11-10. Review status: criteria provided, single submitter. Criteria: Ambry Variant Classification Scheme 2023. Collection method: clinical testing. Allele origin: germline.
Comment: The p.V210M variant (also known as c.628G>A), located in coding exon 5 of the DNAAF1 gene, results from a G to A substitution at nucleotide position 628. The valine at codon 210 is replaced by methionine, an amino acid with highly similar properties. This amino acid position is well conserved in available vertebrate species. In addition, this alteration is predicted to be tolerated by in silico analysis. Based on the available evidence, the clinical significance of this variant remains unclear.

Labcorp Genetics (formerly Invitae), Labcorp
Classification: Uncertain significance for Primary ciliary dyskinesia. Last evaluated: 2024-01-22. Review status: criteria provided, single submitter. Criteria: Invitae Variant Classification Sherloc (09022015). Collection method: clinical testing. Allele origin: germline.
Comment: This sequence change replaces valine, which is neutral and non-polar, with methionine, which is neutral and non-polar, at codon 210 of the DNAAF1 protein (p.Val210Met). This variant is present in population databases (rs76598454, gnomAD 0.08%). This variant has not been reported in the literature in individuals affected with DNAAF1-related conditions. ClinVar contains an entry for this variant (Variation ID: 1039912). An algorithm developed to predict the effect of missense changes on protein structure and function (PolyPhen-2) suggests that this variant is likely to be disruptive. In summary, the available evidence is currently insufficient to determine the role of this variant in disease. Therefore, it has been classified as a Variant of Uncertain Significance.